The following is an entry in ClinVar:

ClinVar aggregate classification (germline): Pathogenic. Review status: criteria provided, multiple submitters, no conflicts (2 of 4 stars). 2 submissions from 2 submitters: Pathogenic (2). Last evaluated 2024-02-23.

Conditions:
TSC2-related disorder. Also called: TSC2-Related Disorders; TSC2-related condition.

Submissions (2):

Blueprint Genetics
Classification: Pathogenic for TSC2-related disorders. Last evaluated: 2024-02-23. Review status: criteria provided, single submitter. Criteria: ACMG Guidelines, 2015. Collection method: clinical testing. Allele origin: germline. Affected: yes. Observed: 1 variant allele.

GeneDx
Classification: Pathogenic. Last evaluated: 2017-04-06. Review status: criteria provided, single submitter. Criteria: GeneDx Variant Classification (06012015). Collection method: clinical testing. Allele origin: germline. Affected: yes.
Comment: The E1087X nonsense variant in the TSC2 gene has been reported previously in association with tuberous sclerosis complex (TSC) (TSC2 LOVD). This pathogenic variant is predicted to cause loss of normal protein function either through protein truncation or nonsense-mediated mRNA decay. The E1087X variant is not observed in large population cohorts (Lek et al., 2016; 1000 Genomes Consortium et al., 2015; Exome Variant Server).

NM_000548.5(TSC2):c.3259G>T (p.Glu1087Ter)

Gene: TSC2 (TSC complex subunit 2; plus strand). Cytogenetic location: 16p13.3.
Variant type: single nucleotide variant.
Coding change: c.3259G>T on transcript NM_000548.5 (MANE Select); coding-DNA position 3259, G replaced by T.
Protein change: p.Glu1087Ter; replaces glutamic acid 1087 with a stop codon.
Molecular consequence: nonsense.
Genome position (GRCh38, 1-based): chr16:2,079,403, G>T. VCF-style: chr16-2079403-G-T. GRCh37 (hg19) VCF-style: chr16-2129404-G-T.
Other names: c.3127G>T, p.Glu1043Ter (NM_001077183.3, NM_001370404.1); c.3259G>T, p.Glu1087Ter (NM_001114382.3); c.3019G>T, p.Glu1007Ter (NM_001318827.2); c.2983G>T, p.Glu995Ter (NM_001318829.2); c.2527G>T, p.Glu843Ter (NM_001318831.2); c.3160G>T, p.Glu1054Ter (NM_001318832.2); c.3130G>T, p.Glu1044Ter (NM_001363528.2, NM_001370405.1, NM_021055.3); short protein forms E1087*, E995*, E1044*, E1007*, E1043*, E1054*, E843*.
Identifiers: ClinVar variation 426725 (VCV000426725.3), dbSNP rs1085307762, ClinGen allele CA394286188.